The following is an entry in ClinVar:

ClinVar aggregate classification (germline): Conflicting classifications of pathogenicity. Review status: criteria provided, conflicting classifications (1 of 4 stars). 2 submissions from 2 submitters: Uncertain significance (1); Likely benign (1). Last evaluated 2025-01-09.

Conditions:
Deafness-lymphedema-leukemia syndrome. Also called: Lymphedema, primary, with myelodysplasia; Emberger syndrome. Identifiers: Orphanet 3226, MedGen C3279664, MONDO:0013540, OMIM 614038.
Monocytopenia with susceptibility to infections. Also called: IMMUNODEFICIENCY 21; MONOCYTOPENIA AND MYCOBACTERIAL INFECTION SYNDROME; MONOCYTOPENIA WITH SUSCEPTIBILITY TO MYCOBACTERIAL, FUNGAL, AND PAPILLOMAVIRUS INFECTIONS AND MYELODYSPLASIA; COMBINED IMMUNODEFICIENCY WITH SUSCEPTIBILITY TO MYCOBACTERIAL, VIRAL, AND FUNGAL INFECTIONS; GATA2 DEFICIENCY; Dendritic cell, monocyte, B lymphocyte, and natural killer lymphocyte deficiency. Identifiers: Orphanet 228423, MedGen C3280030, MONDO:0013607, OMIM 614172.
Inborn genetic diseases. Identifiers: MedGen C0950123, MeSH D030342.

gnomAD v4.1: 20 of 1,614,042 alleles (0.0012%); highest among the groups gnomAD compares: Non-Finnish European, 0.0014%; no homozygotes.

Submissions (2):

Ambry Genetics
Classification: Uncertain significance for Inborn genetic diseases. Last evaluated: 2025-01-09. Review status: criteria provided, single submitter. Criteria: Ambry Variant Classification Scheme 2023. Collection method: clinical testing. Allele origin: germline.
Comment: The p.G200D variant (also known as c.599G>A), located in coding exon 2 of the GATA2 gene, results from a G to A substitution at nucleotide position 599. The glycine at codon 200 is replaced by aspartic acid, an amino acid with similar properties. This amino acid position is highly conserved in available vertebrate species. In addition, the in silico prediction for this alteration is inconclusive. Based on the available evidence, the clinical significance of this variant remains unclear.

Labcorp Genetics (formerly Invitae), Labcorp
Classification: Likely benign for Monocytopenia with susceptibility to infections; Deafness-lymphedema-leukemia syndrome. Last evaluated: 2023-06-21. Review status: criteria provided, single submitter. Criteria: Invitae Variant Classification Sherloc (09022015). Collection method: clinical testing. Allele origin: germline.

NM_032638.5(GATA2):c.599G>A (p.Gly200Asp)

Gene: GATA2 (GATA binding protein 2; minus strand). Cytogenetic location: 3q21.3.
Variant type: single nucleotide variant.
Coding change: c.599G>A on transcript NM_032638.5 (MANE Select); coding-DNA position 599, G replaced by A.
Protein change: p.Gly200Asp; replaces glycine 200 with aspartic acid.
Molecular consequence: missense variant.
Genome position (GRCh38, 1-based): chr3:128,485,999, C>T on the plus strand (G>A on the coding strand, the complement: GATA2 is on the minus strand). VCF-style: chr3-128485999-C-T. GRCh37 (hg19) VCF-style: chr3-128204842-C-T.
Other names: c.599G>A, p.Gly200Asp (NM_001145661.2, NM_001145662.1); short protein forms G200D.
Identifiers: ClinVar variation 660232 (VCV000660232.11), dbSNP rs373477245, ClinGen allele CA2599991.
Genomic context (GRCh38, chr3:128,485,999, plus strand): 5'-CTCTCCGTCAGTGACACCTGGTACTTGACGCCGTCCTTGTCCTCTCCTCGGGCTGCACTA[C>T]CCCCCGCGGAAGATGAGGCTGGAGACGCAGCCCCCGTGGTGCTAGGGTCAGGAGACACTT-3'
Protein context (NP_116027.2, residues 190-210): AASPASSSAG[Gly200Asp]SAARGEDKDG